The following is an entry in ClinVar:

ClinVar aggregate classification (germline): Uncertain significance. Review status: criteria provided, multiple submitters, no conflicts (2 of 4 stars). 2 submissions from 2 submitters: Uncertain significance (2). Last evaluated 2025-01-27.

Allele frequency attached by ClinVar (database versions not stated): gnomAD exomes below 0.00001; gnomAD 0.00001; TOPMed 0.00002.
gnomAD v4.1: 7 of 1,613,402 alleles (0.00043%); highest among the groups gnomAD compares: Admixed American, 0.0017%; no homozygotes.

Submissions (2):

Labcorp Genetics (formerly Invitae), Labcorp
Classification: Uncertain significance. Last evaluated: 2025-01-27. Review status: criteria provided, single submitter. Criteria: Invitae Variant Classification Sherloc (09022015). Collection method: clinical testing. Allele origin: germline.
Comment: This sequence change replaces glycine, which is neutral and non-polar, with arginine, which is basic and polar, at codon 65 of the ARHGEF10 protein (p.Gly65Arg). This variant also falls at the last nucleotide of exon 3, which is part of the consensus splice site for this exon. This variant is present in population databases (no rsID available, gnomAD 0.0009%). This variant has not been reported in the literature in individuals affected with ARHGEF10-related conditions. ClinVar contains an entry for this variant (Variation ID: 450742). An algorithm developed to predict the effect of missense changes on protein structure and function outputs the following: PolyPhen-2: "Possibly Damaging". The arginine amino acid residue is found in multiple mammalian species, which suggests that this missense change does not adversely affect protein function. Variants that disrupt the consensus splice site are a relatively common cause of aberrant splicing (PMID: 17576681, 9536098). Algorithms developed to predict the effect of sequence changes on RNA splicing suggest that this variant may disrupt the consensus splice site. In summary, the available evidence is currently insufficient to determine the role of this variant in disease. Therefore, it has been classified as a Variant of Uncertain Significance.

GeneDx
Classification: Uncertain significance. Last evaluated: 2017-07-25. Review status: criteria provided, single submitter. Criteria: GeneDx Variant Classification (06012015). Collection method: clinical testing. Allele origin: germline. Affected: yes.
Comment: The G65R variant in the ARHGEF10 gene has not been reported previously as a pathogenic variant, nor as a benign variant, to our knowledge. This variant is not observed in large population cohorts (Lek et al., 2016; 1000 Genomes Consortium et al., 2015; Exome Variant Server). The G65R variant is a non-conservative amino acid substitution, which is likely to impact secondary protein structure as these residues differ in polarity, charge, size and/or other properties. This substitution occurs at a position that is not conserved. In silico analysis is inconsistent in its predictions as to whether or not the variant is damaging to the protein structure/function. Based on currently available evidence, we interpret G65R as a variant of uncertain significance.

Literature cited by the submitters: PubMed 17576681 (cited by Labcorp Genetics (formerly Invitae), Labcorp); PubMed 9536098 (cited by Labcorp Genetics (formerly Invitae), Labcorp).

NM_014629.4(ARHGEF10):c.193G>A (p.Gly65Arg)

Gene: ARHGEF10 (Rho guanine nucleotide exchange factor 10; plus strand). Cytogenetic location: 8p23.3.
Variant type: single nucleotide variant.
Coding change: c.193G>A on transcript NM_014629.4 (MANE Select); coding-DNA position 193, G replaced by A.
Protein change: p.Gly65Arg; replaces glycine 65 with arginine.
Molecular consequence: missense variant.
Genome position (GRCh38, 1-based): chr8:1,858,115, G>A. VCF-style: chr8-1858115-G-A. GRCh37 (hg19) VCF-style: chr8-1806281-G-A.
Other names: c.193G>A, p.Gly65Arg (NM_001308152.2, NM_001308153.3); short protein forms G65R, G89R.
Identifiers: ClinVar variation 450742 (VCV000450742.4), dbSNP rs1022200702, ClinGen allele CA170588676.